The following is an entry in ClinVar:

ClinVar aggregate classification (germline): Uncertain significance. Review status: criteria provided, multiple submitters, no conflicts (2 of 4 stars). 10 submissions from 10 submitters: Uncertain significance (7). 3 of the submissions do not count toward it. Last evaluated 2026-10-12.

Conditions:
Aortic aneurysm, familial thoracic 7 (AAT7). Also called: AORTIC DISSECTION, FAMILIAL, WITH OR WITHOUT AORTIC ANEURYSM. Identifiers: MedGen C3151077, MONDO:0013418, OMIM 613780.
Megacystis-microcolon-intestinal hypoperistalsis syndrome 1. Identifiers: MedGen C5542316, MONDO:0100354, OMIM 249210.
Familial thoracic aortic aneurysm and aortic dissection (TAAD). Also called: Thoracic aortic aneurysms and dissections. Identifiers: Orphanet 91387, MedGen C4707243, MONDO:0019625.

Allele frequency attached by ClinVar (database versions not stated): gnomAD exomes 0.00017 and 0.00022; gnomAD 0.00018 and 0.00016; TOPMed 0.00018; ESP Exome Variant Server 0.00031; ExAC 0.00017.
gnomAD v4.1: 338 of 1,613,924 alleles (0.021%); highest among the groups gnomAD compares: Non-Finnish European, 0.027%; no homozygotes.

Submissions (10):

GeneDx
Classification: Uncertain significance. Last evaluated: 2026-10-12. Review status: criteria provided, single submitter. Criteria: GeneDx Variant Classification Process June 2021. Collection method: clinical testing. Allele origin: germline.
Comment: Reported in two individuals from a Dutch cohort of patients evaluated for heritable thoracic aortic disorders; Identified in a patient with Marfan syndrome in published literature (PMID: 30675029); this patient harbored additional cardiogenetic variants (PMID: 30675029); In silico analysis suggests that this missense variant does not alter protein structure/function; This variant is associated with the following publications: (PMID: 29907982, 30675029)

Women's Health and Genetics/Laboratory Corporation of America, LabCorp
Classification: Uncertain significance. Last evaluated: 2026-04-02. Review status: criteria provided, single submitter. Criteria: LabCorp Variant Classification Summary - May 2015. Collection method: clinical testing. Allele origin: germline.
Comment: Variant summary: MYLK c.2461C>T (p.Arg821Trp) results in a non-conservative amino acid change in the encoded protein sequence. Algorithms developed to predict the effect of missense changes on protein structure and function are either unavailable or do not agree on the potential impact of this missense change. Consensus agreement among computation tools predict no significant impact on normal splicing. However, these predictions have yet to be confirmed by functional studies. The variant allele was found at a frequency of 0.00017 in 251454 control chromosomes (gnomAD). The observed variant frequency exceeds the estimated maximal expected allele frequency for disease-causing variants in MYLK. c.2461C>T has been observed in individuals affected with hereditary thoracic aortic disease (Overwater_2018). This report does not provide unequivocal conclusions about association of the variant with Aortopathy. To our knowledge, no experimental evidence demonstrating an impact on protein function has been reported. The following publication has been ascertained in the context of this evaluation (PMID: 29907982). ClinVar contains an entry for this variant (Variation ID: 342890). Based on the evidence outlined above, the variant was classified as uncertain significance.

Labcorp Genetics (formerly Invitae), Labcorp
Classification: Uncertain significance for Aortic aneurysm, familial thoracic 7. Last evaluated: 2026-02-01. Review status: criteria provided, single submitter. Criteria: Invitae Variant Classification Sherloc (09022015). Collection method: clinical testing. Allele origin: germline.
Comment: This sequence change replaces arginine, which is basic and polar, with tryptophan, which is neutral and slightly polar, at codon 821 of the MYLK protein (p.Arg821Trp). This variant is present in population databases (rs150007422, gnomAD 0.03%). This missense change has been observed in individual(s) with hereditary thoracic aortic disease (PMID: 29907982). ClinVar contains an entry for this variant (Variation ID: 342890). An algorithm developed to predict the effect of missense changes on protein structure and function outputs the following: PolyPhen-2: "Possibly Damaging". The tryptophan amino acid residue is found in multiple mammalian species, which suggests that this missense change does not adversely affect protein function. In summary, the available evidence is currently insufficient to determine the role of this variant in disease. Therefore, it has been classified as a Variant of Uncertain Significance.

Ambry Genetics
Classification: Uncertain significance for Familial thoracic aortic aneurysm and aortic dissection. Last evaluated: 2025-10-28. Review status: criteria provided, single submitter. Criteria: Ambry Variant Classification Scheme 2023. Collection method: clinical testing. Allele origin: germline.

ARUP Laboratories, Molecular Genetics and Genomics, ARUP Laboratories
Classification: Uncertain significance. Last evaluated: 2024-06-03. Review status: criteria provided, single submitter. Criteria: ARUP Molecular Germline Variant Investigation Process 2024. Collection method: clinical testing. Allele origin: germline.
Comment: The MYLK c.2461C>T; p.Arg821Trp variant (rs150007422, ClinVar Variation ID: 342890) is reported in the literature in individuals with suspected heritable thoracic aortic disease; however, disease association is unclear (Overwater 2018, Renner 2019). This variant is found in the non-Finnish European population with an allele frequency of 0.03% (43/129,124 alleles) in the Genome Aggregation Database (v2.1.1). Computational analyses are uncertain whether this variant is neutral or deleterious (REVEL: 0.188). Due to limited information, the clinical significance of this variant is uncertain at this time. References: Overwater E et al. Results of next-generation sequencing gene panel diagnostics including copy-number variation analysis in 810 patients suspected of heritable thoracic aortic disorders. Hum Mutat. 2018 Sep;39(9):1173-1192. PMID: 29907982. Renner S et al. Next-generation sequencing of 32 genes associated with hereditary aortopathies and related disorders of connective tissue in a cohort of 199 patients. Genet Med. 2019 Aug;21(8):1832-1841. PMID: 30675029.

Fulgent Genetics
Classification: Uncertain significance for Megacystis-microcolon-intestinal hypoperistalsis syndrome 1; Aortic aneurysm, familial thoracic 7. Last evaluated: 2021-08-13. Review status: criteria provided, single submitter. Criteria: ACMG Guidelines, 2015. Collection method: clinical testing. Allele origin: unknown.

Illumina Laboratory Services, Illumina
Classification: Uncertain significance for Aortic aneurysm, familial thoracic 7. Last evaluated: 2018-01-12. Review status: criteria provided, single submitter. Criteria: ICSL Variant Classification Criteria 13 December 2019. Collection method: clinical testing. Allele origin: germline.

Clinical Genetics DNA and cytogenetics Diagnostics Lab, Erasmus MC, Erasmus Medical Center
Classification: Uncertain significance. Review status: no assertion criteria provided. Collection method: clinical testing. Allele origin: germline. Affected: yes. Study: VKGL Data-share Consensus. Not counted in ClinVar's aggregate classification.

Genome Diagnostics Laboratory, Amsterdam University Medical Center
Classification: Uncertain significance. Review status: no assertion criteria provided. Collection method: clinical testing. Allele origin: germline. Affected: yes. Study: VKGL Data-share Consensus. Not counted in ClinVar's aggregate classification.

Joint Genome Diagnostic Labs from Nijmegen and Maastricht, Radboudumc and MUMC+
Classification: Uncertain significance. Review status: no assertion criteria provided. Collection method: clinical testing. Allele origin: germline. Affected: yes. Study: VKGL Data-share Consensus. Not counted in ClinVar's aggregate classification.

Literature cited by the submitters: PubMed 29907982 (cited by Women's Health and Genetics/Laboratory Corporation of America, LabCorp and Labcorp Genetics (formerly Invitae), Labcorp).

NM_053025.4(MYLK):c.2461C>T (p.Arg821Trp)

Gene: MYLK (myosin light chain kinase; minus strand). Cytogenetic location: 3q21.1.
Variant type: single nucleotide variant.
Coding change: c.2461C>T on transcript NM_053025.4 (MANE Select); coding-DNA position 2461, C replaced by T.
Protein change: p.Arg821Trp; replaces arginine 821 with tryptophan.
Molecular consequence: missense variant.
Genome position (GRCh38, 1-based): chr3:123,701,439, G>A on the plus strand (C>T on the coding strand, the complement: MYLK is on the minus strand). VCF-style: chr3-123701439-G-A. GRCh37 (hg19) VCF-style: chr3-123420286-G-A.
Other names: c.1933C>T, p.Arg645Trp (NM_001321309.2); c.2254C>T, p.Arg752Trp (NM_053026.4, NM_053028.4); c.2461C>T, p.Arg821Trp (NM_053027.4); short protein forms R821W, R645W, R752W.
Identifiers: ClinVar variation 342890 (VCV000342890.32), dbSNP rs150007422, ClinGen allele CA068574.